The following is an entry in ClinVar:

NM_002470.4(MYH3):c.3007G>T (p.Ala1003Ser)

Gene: MYH3 (myosin heavy chain 3; minus strand). Cytogenetic location: 17p13.1.
Variant type: single nucleotide variant.
Coding change: c.3007G>T on transcript NM_002470.4 (MANE Select); coding-DNA position 3007, G replaced by T.
Protein change: p.Ala1003Ser; replaces alanine 1003 with serine.
Molecular consequence: missense variant.
Genome position (GRCh38, 1-based): chr17:10,639,393, C>A on the plus strand (G>T on the coding strand, the complement: MYH3 is on the minus strand). VCF-style: chr17-10639393-C-A. GRCh37 (hg19) VCF-style: chr17-10542710-C-A.
Other names: short protein forms A1003S.
Identifiers: ClinVar variation 3683459 (VCV003683459.2).
Genomic context (GRCh38, chr17:10,639,393, plus strand): 5'-TGTTCAAAGAATTGACTTTGTCTTCTTCAGCTTGGAGGTCATCCAAGGCCTGCTGGTGCG[C>A]CTCTTGGAGGGCCTTCTTCTCTCTGGTTAACTTTGCAATTGTTTCATCTAACCCAGAGAG-3'
Protein context (NP_002461.2, residues 993-1013): LTREKKALQE[Ala1003Ser]HQQALDDLQA

ClinVar aggregate classification (germline): Uncertain significance (1 of 4 stars; one submission).

gnomAD v4.1: 1 of 1,614,084 alleles (0.000062%); highest among the groups gnomAD compares: Admixed American, 0.0017%; no homozygotes.

Submission:

Labcorp Genetics (formerly Invitae), Labcorp
Classification: Uncertain significance. Last evaluated: 2024-07-12. Review status: criteria provided, single submitter. Criteria: Invitae Variant Classification Sherloc (09022015). Collection method: clinical testing. Allele origin: germline.
Comment: This sequence change replaces alanine, which is neutral and non-polar, with serine, which is neutral and polar, at codon 1003 of the MYH3 protein (p.Ala1003Ser). This variant is present in population databases (rs777731765, gnomAD 0.003%). This variant has not been reported in the literature in individuals affected with MYH3-related conditions. Advanced modeling of protein sequence and biophysical properties (such as structural, functional, and spatial information, amino acid conservation, physicochemical variation, residue mobility, and thermodynamic stability) performed at Invitae indicates that this missense variant is not expected to disrupt MYH3 protein function with a negative predictive value of 95%. In summary, the available evidence is currently insufficient to determine the role of this variant in disease. Therefore, it has been classified as a Variant of Uncertain Significance.